The following is an entry in ClinVar:

ClinVar aggregate classification (germline): Pathogenic (1 of 4 stars; one submission).

Conditions:
Camptomelic dysplasia (CMPD). Also called: Campomelic Dysplasia; CMPD1/SRA1. Identifiers: Orphanet 140, MedGen C1861922, MONDO:0007251, OMIM 114290.

Submission:

Greenwood Genetic Center Diagnostic Laboratories, Greenwood Genetic Center
Classification: Pathogenic for Camptomelic dysplasia. Last evaluated: 2025-03-08. Review status: criteria provided, single submitter. Criteria: ACMG Guidelines, 2015. Collection method: clinical testing. Allele origin: germline. Affected: yes.
Comment: PVS1, PM2, PS4_Supporting

NM_000346.4(SOX9):c.345G>A (p.Trp115Ter)

Genes: SOX9 (SRY-box transcription factor 9; plus strand), LOC108021846 (SOX9 promoter region; plus strand). Cytogenetic location: 17q24.3.
Variant type: single nucleotide variant.
Coding change: c.345G>A on transcript NM_000346.4 (MANE Select); coding-DNA position 345, G replaced by A.
Protein change: p.Trp115Ter; replaces tryptophan 115 with a stop codon.
Molecular consequence: nonsense.
Genome position (GRCh38, 1-based): chr17:72,121,736, G>A. VCF-style: chr17-72121736-G-A. GRCh37 (hg19) VCF-style: chr17-70117877-G-A.
Other names: short protein forms W115*.
Identifiers: ClinVar variation 4850828 (VCV004850828.1).